The following is an entry in ClinVar:

NM_001846.4(COL4A2):c.3689A>G (p.Asp1230Gly)

Gene: COL4A2 (collagen type IV alpha 2 chain; plus strand). Cytogenetic location: 13q34.
Variant type: single nucleotide variant.
Coding change: c.3689A>G on transcript NM_001846.4 (MANE Select); coding-DNA position 3689, A replaced by G.
Protein change: p.Asp1230Gly; replaces aspartic acid 1230 with glycine.
Molecular consequence: missense variant.
Genome position (GRCh38, 1-based): chr13:110,495,396, A>G. VCF-style: chr13-110495396-A-G. GRCh37 (hg19) VCF-style: chr13-111147743-A-G.
Other names: c.3689A>G (NM_001846.2); short protein forms D1230G.
Identifiers: ClinVar variation 1497568 (VCV001497568.7), dbSNP rs1883424275, ClinGen allele CA388733566.

ClinVar aggregate classification (germline): Uncertain significance. Review status: criteria provided, multiple submitters, no conflicts (2 of 4 stars). 2 submissions from 2 submitters: Uncertain significance (2). Last evaluated 2026-03-31.

Allele frequency attached by ClinVar (database versions not stated): gnomAD exomes below 0.00001; gnomAD 0.00001.
gnomAD v4.1: 3 of 1,613,858 alleles (0.00019%); highest among the groups gnomAD compares: Admixed American, 0.0017%; no homozygotes.

Submissions (2):

GeneDx
Classification: Uncertain significance. Last evaluated: 2026-03-31. Review status: criteria provided, single submitter. Criteria: GeneDx Variant Classification Process June 2021. Collection method: clinical testing. Allele origin: germline.
Comment: Not observed at significant frequency in large population cohorts (gnomAD); In silico analysis supports that this missense variant has a deleterious effect on protein structure/function; Has not been previously published as pathogenic or benign to our knowledge

Labcorp Genetics (formerly Invitae), Labcorp
Classification: Uncertain significance. Last evaluated: 2022-06-05. Review status: criteria provided, single submitter. Criteria: Invitae Variant Classification Sherloc (09022015). Collection method: clinical testing. Allele origin: germline.
Comment: This sequence change replaces aspartic acid with glycine at codon 1230 of the COL4A2 protein (p.Asp1230Gly). The aspartic acid residue is moderately conserved and there is a moderate physicochemical difference between aspartic acid and glycine. This variant is not present in population databases (gnomAD no frequency). In summary, the available evidence is currently insufficient to determine the role of this variant in disease. Therefore, it has been classified as a Variant of Uncertain Significance. Advanced modeling of protein sequence and biophysical properties (such as structural, functional, and spatial information, amino acid conservation, physicochemical variation, residue mobility, and thermodynamic stability) performed at Invitae indicates that this missense variant is not expected to disrupt COL4A2 protein function. ClinVar contains an entry for this variant (Variation ID: 1497568). This variant has not been reported in the literature in individuals affected with COL4A2-related conditions.